The following is an entry in ClinVar:

ClinVar aggregate classification (germline): Conflicting classifications of pathogenicity. Review status: criteria provided, conflicting classifications (1 of 4 stars). 2 submissions from 2 submitters: Likely pathogenic (1); Uncertain significance (1). Last evaluated 2025-05-08.

Conditions:
Charcot-Marie-Tooth disease axonal type 2K (CMT2K). Also called: CHARCOT-MARIE-TOOTH DISEASE, AXONAL, AUTOSOMAL RECESSIVE, TYPE 2K; CHARCOT-MARIE-TOOTH NEUROPATHY, AXONAL, TYPE 2K; Charcot-Marie-Tooth disease type 2K. Identifiers: Orphanet 101097, Orphanet 99944, MedGen C1842983, MONDO:0011916, OMIM 607831.

Allele frequency attached by ClinVar (database versions not stated): gnomAD exomes below 0.00001.
gnomAD v4.1: 1 of 1,613,480 alleles (0.000062%); highest among the groups gnomAD compares: Non-Finnish European, 0.000085%; no homozygotes.

Submissions (2):

Medical Genetics Clinic, University of Catania
Classification: Likely pathogenic for Charcot-Marie-Tooth disease axonal type 2K. Last evaluated: 2025-05-08. Review status: criteria provided, single submitter. Criteria: ACMG Guidelines, 2015. Collection method: clinical testing. Allele origin: unknown. Inheritance: Autosomal dominant inheritance. Affected: yes. Observed: 1 heterozygote.
Comment: The c.37C>T variant in the GDAP2 gene causes the substitution of a Proline, which is non polar, with a Serine, which is polar, at position 13 (p.Pro13Ser). This variant does not have a gnomAD exomes entry. In silico prediction tool suggests a detrimental effect on the structure/activity of the protein (MutationTaster: deleterious) introducing new potential polar interactions and reducing the flexibility of the protein. In the light of the above the c.37C>T variant in the GDAP2 gene has been classified as Likely Pathogenic variant.

GeneDx
Classification: Uncertain significance. Last evaluated: 2019-11-12. Review status: criteria provided, single submitter. Criteria: GeneDx Variant Classification Process June 2021. Collection method: clinical testing. Allele origin: germline. Affected: yes.
Comment: Not observed in large population cohorts (Lek et al., 2016); The majority of missense variants in this gene are considered pathogenic (Stenson et al., 2014); In silico analysis, which includes protein predictors and evolutionary conservation, supports that this variant does not alter protein structure/function; Has not been previously published as pathogenic or benign to our knowledge

NM_018972.4(GDAP1):c.37C>T (p.Pro13Ser)

Genes: GDAP1 (ganglioside induced differentiation associated protein 1; plus strand), LOC130000622 (ATAC-STARR-seq lymphoblastoid active region 27542; plus strand). Cytogenetic location: 8q21.11.
Variant type: single nucleotide variant.
Coding change: c.37C>T on transcript NM_018972.4 (MANE Select); coding-DNA position 37, C replaced by T.
Protein change: p.Pro13Ser; replaces proline 13 with serine.
Molecular consequence: missense variant. On other transcripts: 5 prime UTR variant (2), intron variant (1).
Genome position (GRCh38, 1-based): chr8:74,350,498, C>T. VCF-style: chr8-74350498-C-T. GRCh37 (hg19) VCF-style: chr8-75262733-C-T.
Other names: p.Pro13Ser; c.-146C>T (NM_001362929.2); c.37C>T, p.Pro13Ser (NM_001362930.2, NM_001362931.2); c.-98C>T (NM_001362932.2); c.-64+26C>T (NM_001040875.4); short protein forms P13S.
Identifiers: ClinVar variation 1303351 (VCV001303351.2), dbSNP rs1240725448, ClinGen allele CA371499040.